The following is an entry in ClinVar:

NM_006258.4(PRKG1):c.834A>T (p.Lys278Asn)

Gene: PRKG1 (protein kinase cGMP-dependent 1; plus strand). Cytogenetic location: 10q21.1.
Variant type: single nucleotide variant.
Coding change: c.834A>T on transcript NM_006258.4 (MANE Select); coding-DNA position 834, A replaced by T.
Protein change: p.Lys278Asn; replaces lysine 278 with asparagine.
Molecular consequence: missense variant. On other transcripts: 5 prime UTR variant (1).
Genome position (GRCh38, 1-based): chr10:52,054,555, A>T. VCF-style: chr10-52054555-A-T. GRCh37 (hg19) VCF-style: chr10-53814315-A-T.
Other names: c.789A>T, p.Lys263Asn (NM_001098512.3); c.-376A>T (NM_001374781.1); c.834A>T, p.Lys278Asn (NM_001374782.1); short protein forms K263N, K278N.
Identifiers: ClinVar variation 3658362 (VCV003658362.2).

ClinVar aggregate classification (germline): Uncertain significance (1 of 4 stars; one submission).

Conditions:
Aortic aneurysm, familial thoracic 8 (AAT8). Identifiers: MedGen C3809513, MONDO:0014187, OMIM 615436.

Submission:

Labcorp Genetics (formerly Invitae), Labcorp
Classification: Uncertain significance for Aortic aneurysm, familial thoracic 8. Last evaluated: 2024-07-01. Review status: criteria provided, single submitter. Criteria: Invitae Variant Classification Sherloc (09022015). Collection method: clinical testing. Allele origin: germline.
Comment: This sequence change replaces lysine, which is basic and polar, with asparagine, which is neutral and polar, at codon 278 of the PRKG1 protein (p.Lys278Asn). This variant is not present in population databases (gnomAD no frequency). This variant has not been reported in the literature in individuals affected with PRKG1-related conditions. An algorithm developed to predict the effect of missense changes on protein structure and function (PolyPhen-2) suggests that this variant is likely to be tolerated. In summary, the available evidence is currently insufficient to determine the role of this variant in disease. Therefore, it has been classified as a Variant of Uncertain Significance.